The following is an entry in ClinVar:

NM_004369.4(COL6A3):c.5308G>C (p.Gly1770Arg)

Gene: COL6A3 (collagen type VI alpha 3 chain; minus strand). Cytogenetic location: 2q37.3.
Variant type: single nucleotide variant.
Coding change: c.5308G>C on transcript NM_004369.4 (MANE Select); coding-DNA position 5308, G replaced by C.
Protein change: p.Gly1770Arg; replaces glycine 1770 with arginine.
Molecular consequence: missense variant.
Genome position (GRCh38, 1-based): chr2:237,366,879, C>G on the plus strand (G>C on the coding strand, the complement: COL6A3 is on the minus strand). VCF-style: chr2-237366879-C-G. GRCh37 (hg19) VCF-style: chr2-238275522-C-G.
Other names: c.3487G>C, p.Gly1163Arg (NM_057166.5); c.4690G>C, p.Gly1564Arg (NM_057167.4); short protein forms G1770R, G1564R, G1163R.
Identifiers: ClinVar variation 569270 (VCV000569270.9), dbSNP rs763289509, ClinGen allele CA2188701.

ClinVar aggregate classification (germline): Uncertain significance (1 of 4 stars; one submission).

Conditions:
Bethlem myopathy 1A. Also called: Bethlem myopathy 1; MYOPATHY, BENIGN CONGENITAL, WITH CONTRACTURES; Bethlem Muscular Dystrophy. Identifiers: Orphanet 610, MedGen CN029274, MONDO:0024530, OMIM 158810.

Allele frequency attached by ClinVar (database versions not stated): gnomAD exomes below 0.00001; ExAC 0.00001.
gnomAD v4.1: 5 of 1,614,256 alleles (0.00031%); highest among the groups gnomAD compares: African/African-American, 0.0013%; no homozygotes.

Submission:

Labcorp Genetics (formerly Invitae), Labcorp
Classification: Uncertain significance for Bethlem myopathy 1A. Last evaluated: 2022-07-05. Review status: criteria provided, single submitter. Criteria: Invitae Variant Classification Sherloc (09022015). Collection method: clinical testing. Allele origin: germline.
Comment: In summary, the available evidence is currently insufficient to determine the role of this variant in disease. Therefore, it has been classified as a Variant of Uncertain Significance. Advanced modeling of protein sequence and biophysical properties (such as structural, functional, and spatial information, amino acid conservation, physicochemical variation, residue mobility, and thermodynamic stability) performed at Invitae indicates that this missense variant is expected to disrupt COL6A3 protein function. ClinVar contains an entry for this variant (Variation ID: 569270). This variant has not been reported in the literature in individuals affected with COL6A3-related conditions. This variant is present in population databases (rs763289509, gnomAD 0.0009%). This sequence change replaces glycine, which is neutral and non-polar, with arginine, which is basic and polar, at codon 1770 of the COL6A3 protein (p.Gly1770Arg).